The following is an entry in ClinVar:

NM_001080449.3(DNA2):c.1135C>A (p.Gln379Lys)

Gene: DNA2 (DNA replication helicase/nuclease 2; minus strand). Cytogenetic location: 10q21.3.
Variant type: single nucleotide variant.
Coding change: c.1135C>A on transcript NM_001080449.3 (MANE Select); coding-DNA position 1135, C replaced by A.
Protein change: p.Gln379Lys; replaces glutamine 379 with lysine.
Molecular consequence: missense variant. On other transcripts: non-coding transcript variant (1).
Genome position (GRCh38, 1-based): chr10:68,445,006, G>T on the plus strand (C>A on the coding strand, the complement: DNA2 is on the minus strand). VCF-style: chr10-68445006-G-T. GRCh37 (hg19) VCF-style: chr10-70204763-G-T.
Other names: short protein forms Q379K.
Identifiers: ClinVar variation 2805833 (VCV002805833.1), dbSNP rs762220081, ClinGen allele CA5525123.
Genomic context (GRCh38, chr10:68,445,006, plus strand): 5'-TTTGTGAACAATATTTACAAGTTTTCTCTTCCTCAATTATTTGTGGCAAAGAAGCAAGCT[G>T]TGTCTTCTGTCTAGTAGCAGATTTGCTAATACGGTGAAACAATGAGAATGCCATCTGGTT-3'
Protein context (NP_001073918.2, residues 369-389): ISKSATRQKT[Gln379Lys]LASLPQIIEE

ClinVar aggregate classification (germline): Uncertain significance (1 of 4 stars; one submission).

Allele frequency attached by ClinVar (database versions not stated): ExAC 0.00002.
gnomAD v4.1: 18 of 1,613,342 alleles (0.0011%); highest among the groups gnomAD compares: South Asian, 0.018%; no homozygotes.

Submission:

Labcorp Genetics (formerly Invitae), Labcorp
Classification: Uncertain significance. Last evaluated: 2024-01-13. Review status: criteria provided, single submitter. Criteria: Invitae Variant Classification Sherloc (09022015). Collection method: clinical testing. Allele origin: germline.
Comment: This sequence change replaces glutamine, which is neutral and polar, with lysine, which is basic and polar, at codon 379 of the DNA2 protein (p.Gln379Lys). This variant is present in population databases (rs762220081, gnomAD 0.02%). This variant has not been reported in the literature in individuals affected with DNA2-related conditions. Advanced modeling of protein sequence and biophysical properties (such as structural, functional, and spatial information, amino acid conservation, physicochemical variation, residue mobility, and thermodynamic stability) performed at Invitae indicates that this missense variant is not expected to disrupt DNA2 protein function with a negative predictive value of 80%. In summary, the available evidence is currently insufficient to determine the role of this variant in disease. Therefore, it has been classified as a Variant of Uncertain Significance.